The following is an entry in ClinVar:

ClinVar aggregate classification (germline): Uncertain significance. Review status: criteria provided, multiple submitters, no conflicts (2 of 4 stars). 2 submissions from 2 submitters: Uncertain significance (2). Last evaluated 2025-02-20.

Conditions:
Brugada syndrome 8 (BRGDA8). Identifiers: Orphanet 130, MedGen C2751083, MONDO:0013148, OMIM 613123.
Cardiovascular phenotype. Identifiers: MedGen CN230736.

Allele frequency attached by ClinVar (database versions not stated): TOPMed below 0.00001; ExAC 0.00002; gnomAD 0.00002; gnomAD exomes 0.00002 and 0.00005.
gnomAD v4.1: 75 of 1,601,426 alleles (0.0047%); highest among the groups gnomAD compares: Non-Finnish European, 0.0059%; no homozygotes.

Submissions (2):

Labcorp Genetics (formerly Invitae), Labcorp
Classification: Uncertain significance for Brugada syndrome 8. Last evaluated: 2025-02-20. Review status: criteria provided, single submitter. Criteria: Invitae Variant Classification Sherloc (09022015). Collection method: clinical testing. Allele origin: germline.
Comment: This sequence change replaces alanine, which is neutral and non-polar, with serine, which is neutral and polar, at codon 792 of the HCN4 protein (p.Ala792Ser). This variant is present in population databases (rs756650627, gnomAD 0.004%). This missense change has been observed in individual(s) with clinical features of HCN4-related conditions (PMID: 37589201). ClinVar contains an entry for this variant (Variation ID: 963923). Invitae Evidence Modeling of protein sequence and biophysical properties (such as structural, functional, and spatial information, amino acid conservation, physicochemical variation, residue mobility, and thermodynamic stability) indicates that this missense variant is not expected to disrupt HCN4 protein function with a negative predictive value of 95%. In summary, the available evidence is currently insufficient to determine the role of this variant in disease. Therefore, it has been classified as a Variant of Uncertain Significance.

Ambry Genetics
Classification: Uncertain significance for Cardiovascular phenotype. Last evaluated: 2024-11-25. Review status: criteria provided, single submitter. Criteria: Ambry Variant Classification Scheme 2023. Collection method: clinical testing. Allele origin: germline.

Literature cited by the submitters: PubMed 37589201 (cited by Labcorp Genetics (formerly Invitae), Labcorp).

NM_005477.3(HCN4):c.2374G>T (p.Ala792Ser)

Gene: HCN4 (hyperpolarization activated cyclic nucleotide gated potassium channel 4; minus strand). Cytogenetic location: 15q24.1.
Variant type: single nucleotide variant.
Coding change: c.2374G>T on transcript NM_005477.3 (MANE Select); coding-DNA position 2374, G replaced by T.
Protein change: p.Ala792Ser; replaces alanine 792 with serine.
Molecular consequence: missense variant.
Genome position (GRCh38, 1-based): chr15:73,323,719, C>A on the plus strand (G>T on the coding strand, the complement: HCN4 is on the minus strand). VCF-style: chr15-73323719-C-A. GRCh37 (hg19) VCF-style: chr15-73616060-C-A.
Other names: short protein forms A792S.
Identifiers: ClinVar variation 963923 (VCV000963923.11), dbSNP rs756650627, ClinGen allele CA7649038.